The following is an entry in ClinVar:

NM_005502.4(ABCA1):c.1086G>C (p.Leu362Phe)

Gene: ABCA1 (ATP binding cassette subfamily A member 1; minus strand). Cytogenetic location: 9q31.1.
Variant type: single nucleotide variant.
Coding change: c.1086G>C on transcript NM_005502.4 (MANE Select); coding-DNA position 1086, G replaced by C.
Protein change: p.Leu362Phe; replaces leucine 362 with phenylalanine.
Molecular consequence: missense variant.
Genome position (GRCh38, 1-based): chr9:104,837,536, C>G on the plus strand (G>C on the coding strand, the complement: ABCA1 is on the minus strand). VCF-style: chr9-104837536-C-G. GRCh37 (hg19) VCF-style: chr9-107599817-C-G.
Other names: short protein forms L362F.
Identifiers: ClinVar variation 4233921 (VCV004233921.1).

ClinVar aggregate classification (germline): Uncertain significance (1 of 4 stars; one submission).

Conditions:
Cardiovascular phenotype. Identifiers: MedGen CN230736.

Submission:

Ambry Genetics
Classification: Uncertain significance for Cardiovascular phenotype. Last evaluated: 2025-07-06. Review status: criteria provided, single submitter. Criteria: Ambry Variant Classification Scheme 2023. Collection method: clinical testing. Allele origin: germline.
Comment: The p.L362F variant (also known as c.1086G>C), located in coding exon 9 of the ABCA1 gene, results from a G to C substitution at nucleotide position 1086. The leucine at codon 362 is replaced by phenylalanine, an amino acid with highly similar properties. This amino acid position is conserved. In addition, the in silico prediction for this alteration is inconclusive. Based on the available evidence, the clinical significance of this variant remains unclear.